The following is an entry in ClinVar:

ClinVar aggregate classification (germline): Pathogenic. Review status: criteria provided, multiple submitters, no conflicts (2 of 4 stars). 4 submissions from 4 submitters: Pathogenic (3). 1 of the submissions does not count toward it. Last evaluated 2025-11-19.

Conditions:
Medium-chain acyl-coenzyme A dehydrogenase deficiency (ACADMD). Also called: CARNITINE DEFICIENCY SECONDARY TO MEDIUM-CHAIN ACYL-CoA DEHYDROGENASE DEFICIENCY; ACADM DEFICIENCY; MCAD Deficiency; MCADH DEFICIENCY; MCADD; Medium chain acyl-CoA dehydrogenase deficiency. Identifiers: Orphanet 42, MedGen C0220710, MONDO:0008721, OMIM 201450.

gnomAD v4.1: 5 of 1,580,640 alleles (0.00032%); highest among the groups gnomAD compares: Non-Finnish European, 0.00043%; no homozygotes.

Submissions (4):

Natera, Inc.
Classification: Pathogenic for Medium Chain Acyl-CoA Dehydrogenase Deficiency. Last evaluated: 2025-11-19. Review status: criteria provided, single submitter. Criteria: Natera Variant Classification Schema (03/2026). Collection method: clinical testing. Allele origin: germline.
Comment: The c.388-19T>A variant in ACADM is an intronic variant located outside the canonical splice sites. This variant is rare in the general population with a frequency below the threshold expected for the associated phenotype(s). This variant has been observed in one or more individuals affected with the associated recessive disease, as either homozygous or compound heterozygous with a second variant (PMID: 36068006, 33123633, 22542437). Computational prediction algorithms indicate this variant is likely to affect gene or protein function. Given the available evidence, this variant is classified as Pathogenic.

Labcorp Genetics (formerly Invitae), Labcorp
Classification: Pathogenic for Medium-chain acyl-coenzyme A dehydrogenase deficiency. Last evaluated: 2025-10-13. Review status: criteria provided, single submitter. Criteria: Invitae Variant Classification Sherloc (09022015). Collection method: clinical testing. Allele origin: germline.
Comment: This sequence change falls in intron 5 of the ACADM gene. It does not directly change the encoded amino acid sequence of the ACADM protein. This variant is not present in population databases (gnomAD no frequency). This variant has been observed in individual(s) with medium-chain acyl-CoA dehydrogenase deficiency (MCADD) (PMID: 22542437, 36068006). In at least one individual the data is consistent with being in trans (on the opposite chromosome) from a pathogenic variant. ClinVar contains an entry for this variant (Variation ID: 552529). Algorithms developed to predict the effect of sequence changes on RNA splicing suggest that this variant may disrupt the consensus splice site. For these reasons, this variant has been classified as Pathogenic.

Baylor Genetics
Classification: Pathogenic for Medium-chain acyl-coenzyme A dehydrogenase deficiency. Last evaluated: 2024-03-14. Review status: criteria provided, single submitter. Criteria: ACMG Guidelines, 2015. Collection method: clinical testing. Allele origin: unknown.

Counsyl
Classification: Uncertain significance for Medium-chain acyl-coenzyme A dehydrogenase deficiency. Last evaluated: 2017-06-14. Review status: no assertion criteria provided. Collection method: clinical testing. Allele origin: unknown. Not counted in ClinVar's aggregate classification.

Literature cited by the submitters: PubMed 36068006 (cited by Natera, Inc. and Labcorp Genetics (formerly Invitae), Labcorp); PubMed 33123633 (cited by Natera, Inc.); PubMed 22542437 (cited by 3 submitters).

NM_000016.6(ACADM):c.388-19T>A

Gene: ACADM (acyl-CoA dehydrogenase medium chain; plus strand). Cytogenetic location: 1p31.1.
Variant type: single nucleotide variant.
Coding change: c.388-19T>A on transcript NM_000016.6 (MANE Select); 19 bases into the intron before coding-DNA position 388, T replaced by A.
Molecular consequence: intron variant.
Genome position (GRCh38, 1-based): chr1:75,734,772, T>A. VCF-style: chr1-75734772-T-A. GRCh37 (hg19) VCF-style: chr1-76200457-T-A.
Other names: c.400-19T>A (NM_001127328.3); c.487-19T>A (NM_001286043.2); c.280-19T>A (NM_001286042.2); c.-100+1850T>A (NM_001286044.2); c.388-19T>A (NM_000016.5).
Identifiers: ClinVar variation 552529 (VCV000552529.9), dbSNP rs1553123252, ClinGen allele CA658821079.